The following is an entry in ClinVar:

ClinVar aggregate classification (germline): Pathogenic. Review status: criteria provided, single submitter (1 of 4 stars). 2 submissions from 2 submitters: Pathogenic (1). 1 of the submissions does not count toward it. Last evaluated 2016-12-13.

Conditions:
Breast-ovarian cancer, familial, susceptibility to, 1 (BROVCA1). Also called: BRCA1 Hereditary Breast and Ovarian Cancer; OVARIAN CANCER, SUSCEPTIBILITY TO. Identifiers: Orphanet 145, MedGen C2676676, MONDO:0011450, OMIM 604370. Disease mechanism: loss of function.
Hereditary breast ovarian cancer syndrome. Also called: Hereditary breast and ovarian cancer; Hereditary breast and ovarian cancer syndrome; Hereditary breast and ovarian cancer syndrome (HBOC); Breast and ovarian cancer; BRCA1- and BRCA2-Associated Hereditary Breast and Ovarian Cancer; Hereditary breast and/or ovarian cancer syndrome. Identifiers: Orphanet 145, MedGen C0677776, MeSH D061325, MONDO:0003582. Disease mechanism: loss of function.

Submissions (3):

Lab of Molecular Oncology, Sapienza University of Rome
Classification: Pathogenic for Hereditary breast and ovarian cancer syndrome. Last evaluated: 2016-12-13. Review status: criteria provided, single submitter. Criteria: Submitter's publication. Collection method: clinical testing. Allele origin: de novo. Inheritance: Autosomal dominant inheritance. Affected: yes. Observed: 3 variant alleles, 3 heterozygotes.
Comment: The novel BRCA1 mutation c.5073A>T (p.Thr1691=) is a synonymous variant on the last codon of exon 17 responsible for the generation of aberrant alternative transcripts that undergo nonsense-mediated decay and code for truncated proteins. It has been identified in 3 members of one HBOC Italian family (Coppa et al., 2018).

BRCAlab, Lund University
Classification: Likely pathogenic for Breast-ovarian cancer, familial, susceptibility to, 1. Last evaluated: 2020-03-02. Review status: no assertion criteria provided. Collection method: clinical testing. Allele origin: germline. Affected: yes. Not counted in ClinVar's aggregate classification.

Brotman Baty Institute, University of Washington
No classification provided (evidence only). Condition: Breast-ovarian cancer, familial 1. Review status: no classification provided. Collection method: in vitro. Allele origin: not applicable. Functional consequence: functionally_abnormal. Not counted in ClinVar's aggregate classification.
ClinVar note: "not provided" was previously submitted as the classification for the variant. However, the classification appeared to be based only on an observation of functional data so it was converted to no classification on 2025-07-30.

Literature cited by the submitters: DOI 10.1002/cam4.1251 (cited by Lab of Molecular Oncology, Sapienza University of Rome).

NM_007294.4(BRCA1):c.5073A>T (p.Thr1691=)

Gene: BRCA1 (BRCA1 DNA repair associated; minus strand). Cytogenetic location: 17q21.31.
Variant type: single nucleotide variant.
Coding change: c.5073A>T on transcript NM_007294.4 (MANE Select); coding-DNA position 5073, A replaced by T.
Protein change: p.Thr1691=; no amino-acid change (threonine 1691 retained).
Molecular consequence: synonymous variant. On other transcripts: intron variant (1).
Genome position (GRCh38, 1-based): chr17:43,067,609, T>A on the plus strand (A>T on the coding strand, the complement: BRCA1 is on the minus strand). VCF-style: chr17-43067609-T-A. GRCh37 (hg19) VCF-style: chr17-41219626-T-A.
Other names: c.839-3658A>T (NM_001408514.1); c.5133A>T, p.Thr1711= (NM_001407590.1, NM_001407591.1); c.5073A>T, p.Thr1691= (NM_001407593.1, NM_001407594.1, NM_001407596.1 and 8 more transcripts); c.5070A>T, p.Thr1690= (NM_001407610.1, NM_001407611.1, NM_001407612.1 and 17 more transcripts); c.5067A>T, p.Thr1689= (NM_001407627.1, NM_001407628.1, NM_001407629.1 and 14 more transcripts); c.5064A>T, p.Thr1688= (NM_001407644.1, NM_001407645.1); c.5061A>T, p.Thr1687= (NM_001407646.1); c.5058A>T, p.Thr1686= (NM_001407647.1); and 71 more.
Identifiers: ClinVar variation 599302 (VCV000599302.6), dbSNP rs80356853, ClinGen allele CA500146297.
Genomic context (GRCh38, chr17:43,067,609, plus strand): 5'-TCGCCTCATGTGGTTTTATGCAGCAGATGCAAGGTATTCTGTAAAGGTTCTTGGTATACC[T>A]GTTTTCATAACAACATGAGTAGTCTCTTCAGTAATTAGATTAGTTAAAGTGATGTGGTGT-3'
Protein context (NP_009225.1, residues 1681-1701): TEETTHVVMK[Thr1691=]DAEFVCERTL